The following is an entry in ClinVar:

ClinVar aggregate classification (germline): Uncertain significance (1 of 4 stars; one submission).

Conditions:
Gastrointestinal stromal tumor. Also called: Gastrointestinal stromal tumor, somatic; Gastrointestinal stroma tumor. Identifiers: Orphanet 44890, MedGen C0238198, MeSH D046152, MONDO:0011719, OMIM 606764, HP:0100723.

Submission:

Labcorp Genetics (formerly Invitae), Labcorp
Classification: Uncertain significance for Gastrointestinal stromal tumor. Last evaluated: 2024-06-19. Review status: criteria provided, single submitter. Criteria: Invitae Variant Classification Sherloc (09022015). Collection method: clinical testing. Allele origin: germline.
Comment: This sequence change replaces aspartic acid, which is acidic and polar, with valine, which is neutral and non-polar, at codon 125 of the PDGFRA protein (p.Asp125Val). This variant is not present in population databases (gnomAD no frequency). This variant has not been reported in the literature in individuals affected with PDGFRA-related conditions. Advanced modeling of protein sequence and biophysical properties (such as structural, functional, and spatial information, amino acid conservation, physicochemical variation, residue mobility, and thermodynamic stability) performed at Invitae indicates that this missense variant is not expected to disrupt PDGFRA protein function with a negative predictive value of 80%. In summary, the available evidence is currently insufficient to determine the role of this variant in disease. Therefore, it has been classified as a Variant of Uncertain Significance.

NM_006206.6(PDGFRA):c.374A>T (p.Asp125Val)

Gene: PDGFRA (platelet derived growth factor receptor alpha; plus strand). Cytogenetic location: 4q12.
Variant type: single nucleotide variant.
Coding change: c.374A>T on transcript NM_006206.6 (MANE Select); coding-DNA position 374, A replaced by T.
Protein change: p.Asp125Val; replaces aspartic acid 125 with valine.
Molecular consequence: missense variant.
Genome position (GRCh38, 1-based): chr4:54,263,673, A>T. VCF-style: chr4-54263673-A-T. GRCh37 (hg19) VCF-style: chr4-55129840-A-T.
Other names: c.374A>T, p.Asp125Val (NM_001347827.2, NM_001347829.2); c.449A>T, p.Asp150Val (NM_001347828.2); c.413A>T, p.Asp138Val (NM_001347830.2); short protein forms D150V, D125V, D138V.
Identifiers: ClinVar variation 3669839 (VCV003669839.2).
Genomic context (GRCh38, chr4:54,263,673, plus strand): 5'-GTGTAAAGGTGAAATTAATGTCTAATAGAGTCTTCATTCTTTTTTAAACCACAGACCCAG[A>T]TGTAGCCTTTGTACCTCTAGGAATGACGGATTATTTAGTCATCGTGGAGGATGATGATTC-3'
Protein context (NP_006197.1, residues 115-135): RHIYIYVPDP[Asp125Val]VAFVPLGMTD